The following is an entry in ClinVar:

ClinVar aggregate classification (germline): Uncertain significance (1 of 4 stars; one submission).

Submission:

Labcorp Genetics (formerly Invitae), Labcorp
Classification: Uncertain significance. Last evaluated: 2021-01-30. Review status: criteria provided, single submitter. Criteria: Invitae Variant Classification Sherloc (09022015). Collection method: clinical testing. Allele origin: germline.
Comment: This sequence change replaces glutamic acid with lysine at codon 1374 of the HSPG2 protein (p.Glu1374Lys). The glutamic acid residue is moderately conserved and there is a small physicochemical difference between glutamic acid and lysine. This variant is not present in population databases (ExAC no frequency). This variant has not been reported in the literature in individuals with HSPG2-related conditions. Algorithms developed to predict the effect of missense changes on protein structure and function (SIFT, PolyPhen-2, Align-GVGD) all suggest that this variant is likely to be tolerated, but these predictions have not been confirmed by published functional studies and their clinical significance is uncertain. In summary, the available evidence is currently insufficient to determine the role of this variant in disease. Therefore, it has been classified as a Variant of Uncertain Significance.

NM_005529.7(HSPG2):c.4120G>A (p.Glu1374Lys)

Gene: HSPG2 (heparan sulfate proteoglycan 2; minus strand). Cytogenetic location: 1p36.12.
Variant type: single nucleotide variant.
Coding change: c.4120G>A on transcript NM_005529.7 (MANE Select); coding-DNA position 4120, G replaced by A.
Protein change: p.Glu1374Lys; replaces glutamic acid 1374 with lysine.
Molecular consequence: missense variant.
Genome position (GRCh38, 1-based): chr1:21,872,287, C>T on the plus strand (G>A on the coding strand, the complement: HSPG2 is on the minus strand). VCF-style: chr1-21872287-C-T. GRCh37 (hg19) VCF-style: chr1-22198780-C-T.
Other names: c.4123G>A, p.Glu1375Lys (NM_001291860.2); short protein forms E1375K, E1374K.
Identifiers: ClinVar variation 1367952 (VCV001367952.8), dbSNP rs2152744421, ClinGen allele CA338958482.